The following is an entry in ClinVar:

NM_031206.7(LAS1L):c.29G>A (p.Gly10Asp)

Gene: LAS1L (LAS1 like ribosome biogenesis factor; minus strand). Cytogenetic location: Xq12.
Variant type: single nucleotide variant.
Coding change: c.29G>A on transcript NM_031206.7 (MANE Select); coding-DNA position 29, G replaced by A.
Protein change: p.Gly10Asp; replaces glycine 10 with aspartic acid.
Molecular consequence: missense variant. On other transcripts: 5 prime UTR variant (1), non-coding transcript variant (3).
Genome position (GRCh38, 1-based): chrX:65,534,687, C>T on the plus strand (G>A on the coding strand, the complement: LAS1L is on the minus strand). VCF-style: chrX-65534687-C-T. GRCh37 (hg19) VCF-style: chrX-64754567-C-T.
Other names: c.29G>A, p.Gly10Asp (NM_001170649.2, NM_001170650.2, NM_001375328.1 and 11 more transcripts); c.-768G>A (NM_001375332.1); short protein forms G10D.
Identifiers: ClinVar variation 4719932 (VCV004719932.1).

ClinVar aggregate classification (germline): Uncertain significance (1 of 4 stars; one submission).

Conditions:
Wilson-Turner syndrome (WTS). Also called: MENTAL RETARDATION, X-LINKED, SYNDROMIC 6; INTELLECTUAL DEVELOPMENTAL DISORDER, X-LINKED, SYNDROMIC, WILSON-TURNER TYPE. Identifiers: Orphanet 3459, MedGen C1839736, MONDO:0010665, OMIM 309585.

Submission:

Labcorp Genetics (formerly Invitae), Labcorp
Classification: Uncertain significance for Wilson-Turner syndrome. Last evaluated: 2025-05-21. Review status: criteria provided, single submitter. Criteria: Invitae Variant Classification Sherloc (09022015). Collection method: clinical testing. Allele origin: germline.
Comment: This sequence change replaces glycine, which is neutral and non-polar, with aspartic acid, which is acidic and polar, at codon 10 of the LAS1L protein (p.Gly10Asp). This variant is not present in population databases (gnomAD no frequency). This variant has not been reported in the literature in individuals affected with LAS1L-related conditions. An algorithm developed to predict the effect of missense changes on protein structure and function (PolyPhen-2) suggests that this variant is likely to be disruptive. In summary, the available evidence is currently insufficient to determine the role of this variant in disease. Therefore, it has been classified as a Variant of Uncertain Significance.